The following is an entry in ClinVar:

NM_001887.4(CRYBB1):c.171del (p.Asn58fs)

Genes: CRYBA4 (crystallin beta A4; plus strand), CRYBB1 (crystallin beta B1; minus strand). Cytogenetic location: 22q12.1.
Variant type: Deletion.
Coding change: c.171del on transcript NM_001887.4 (MANE Select); coding-DNA position 171, one base deleted (G; older notation c.171delG).
Protein change: p.Asn58fs; shifts the reading frame from asparagine 58.
Molecular consequence: frameshift variant.
Genome position (GRCh38, 1-based): chr22:26,616,149, C deleted on the plus strand (G on the coding strand, the reverse complement: CRYBB1 is on the minus strand); the first of 3 consecutive C bases (chr22:26,616,149-26,616,151); deleting any one gives the same sequence. VCF-style (leftmost placement, unchanged base first): chr22-26616148-TC-T. GRCh37 (hg19) VCF-style: chr22-27012112-TC-T.
Other names: c.171delG (NM_001887.4); c.171del (NM_001887.3); short protein forms N58fs.
Identifiers: ClinVar variation 419532 (VCV000419532.12), dbSNP rs1064793935, ClinGen allele CA16621040.

ClinVar aggregate classification (germline): Pathogenic/Likely pathogenic. Review status: criteria provided, multiple submitters, no conflicts (2 of 4 stars). 7 submissions from 7 submitters: Pathogenic (3); Likely pathogenic (2). 2 of the submissions do not count toward it. Last evaluated 2025-01-09.

Conditions:
Cataract 17 multiple types. Also called: CATARACT 17, PULVERULENT; CATARACT 17, CONGENITAL NUCLEAR, AUTOSOMAL RECESSIVE. Identifiers: Orphanet 91492, MedGen C3888124, MONDO:0012688, OMIM 611544.
CRYBB1-related disorder. Also called: CRYBB1-related condition.
Cataract 17.

Submissions (7):

Revvity Omics, Revvity
Classification: Pathogenic for Cataract 17 multiple types. Last evaluated: 2025-01-09. Review status: criteria provided, single submitter. Criteria: ACMG Guidelines, 2015. Collection method: clinical testing. Allele origin: germline.

Genomic Medicine Center of Excellence, King Faisal Specialist Hospital and Research Centre
Classification: Likely pathogenic for Cataract 17 multiple types. Last evaluated: 2024-03-26. Review status: criteria provided, single submitter. Criteria: ACMG Guidelines, 2015. Collection method: clinical testing. Allele origin: germline.

Blueprint Genetics
Classification: Pathogenic for CRYBB1-related disorders. Last evaluated: 2021-11-04. Review status: criteria provided, single submitter. Criteria: ACMG Guidelines, 2015. Collection method: clinical testing. Allele origin: germline. Affected: yes. Observed: 4 variant alleles.

Hadassah Hebrew University Medical Center
Classification: Likely pathogenic for Cataract 17. Last evaluated: 2019-06-20. Review status: criteria provided, single submitter. Criteria: ACMG Guidelines, 2015. Collection method: clinical testing. Allele origin: germline. Affected: yes.

GeneDx
Classification: Pathogenic. Last evaluated: 2018-12-03. Review status: criteria provided, single submitter. Criteria: GeneDx Variant Classification (06012015). Collection method: clinical testing. Allele origin: germline. Affected: yes.
Comment: The c.171delG deletion in the CRYBB1 gene has been reported previously (including reported as delG168due to alternative nomenclature) in association with congenital cataracts (Cohen et al., 2007; Aldahmesh etal., 2012). The c.171delG deletion causes a frameshift starting with codon asparagine 58, changes thisamino acid to a threonine residue, and creates a premature Stop codon at position 107 of the new readingframe, denoted p.N58TfsX107. This variant is predicted to cause loss of normal protein function eitherthrough protein truncation or nonsense-mediated mRNA decay. The c.171delG deletion was not observedin approximately 6500 individuals of European and African American ancestry in the NHLBI ExomeSequencing Project, indicating it is not a common variant in these populations. We interpret c.171delG as a pathogenic variant.

Biochemical Molecular Genetic Laboratory, King Abdulaziz Medical City
Classification: Pathogenic for Cataract 17 multiple types. Last evaluated: 2020-02-05. Review status: no assertion criteria provided. Collection method: clinical testing. Allele origin: germline. Affected: yes. Not counted in ClinVar's aggregate classification.

OMIM
Classification: Pathogenic for CATARACT 17, CONGENITAL NUCLEAR, AUTOSOMAL RECESSIVE. Last evaluated: 2007-05-01. Review status: no assertion criteria provided. Collection method: literature only. Allele origin: germline. Not counted in ClinVar's aggregate classification.

Literature cited by the submitters: PubMed 33223529 (cited by Hadassah Hebrew University Medical Center); PubMed 17460281 (cited by OMIM).